The following is an entry in ClinVar:

ClinVar aggregate classification (germline): Pathogenic/Likely pathogenic. Review status: criteria provided, multiple submitters, no conflicts (2 of 4 stars). 4 submissions from 4 submitters: Pathogenic (3); Likely pathogenic (1). Last evaluated 2024-01-27.

Conditions:
Nephronophthisis. Also called: Juvenile Nephronophthisis. Identifiers: Orphanet 655, MedGen C0687120, MONDO:0019005, HP:0000090.
Infantile nephronophthisis (NPHP2). Also called: Nephronophthisis 2; Nephronophthisis 2, infantile. Identifiers: Orphanet 655, Orphanet 93591, MedGen C1865872, MONDO:0011190, OMIM 602088.

Allele frequency attached by ClinVar (database versions not stated): gnomAD exomes 0.00001; ExAC 0.00002.
gnomAD v4.1: 10 of 1,613,158 alleles (0.00062%); highest among the groups gnomAD compares: South Asian, 0.0011%; no homozygotes.

Submissions (4):

Labcorp Genetics (formerly Invitae), Labcorp
Classification: Pathogenic for Nephronophthisis. Last evaluated: 2024-01-27. Review status: criteria provided, single submitter. Criteria: Invitae Variant Classification Sherloc (09022015). Collection method: clinical testing. Allele origin: germline.
Comment: This sequence change creates a premature translational stop signal (p.Arg597*) in the INVS gene. It is expected to result in an absent or disrupted protein product. Loss-of-function variants in INVS are known to be pathogenic (PMID: 12872123). This variant is present in population databases (rs755288504, gnomAD 0.006%). This premature translational stop signal has been observed in individual(s) with infantile nephronophthisis (PMID: 31706999). ClinVar contains an entry for this variant (Variation ID: 690376). For these reasons, this variant has been classified as Pathogenic.

Fulgent Genetics
Classification: Pathogenic for Infantile nephronophthisis. Last evaluated: 2022-05-18. Review status: criteria provided, single submitter. Criteria: ACMG Guidelines, 2015. Collection method: clinical testing. Allele origin: unknown.

HudsonAlpha Institute for Biotechnology
Classification: Likely pathogenic for Infantile nephronophthisis. Last evaluated: 2018-12-14. Review status: criteria provided, single submitter. Criteria: ACMG Guidelines, 2015. Collection method: research. Allele origin: paternal. Observed: 1 variant allele. Study: HudsonAlpha-AGHI-WGS.

Kasturba Medical College, Manipal, Kasturba Medical College, Manipal, Manipal Academy of Higher Education, Manipal, India
Classification: Pathogenic for Infantile nephronophthisis. Review status: criteria provided, single submitter. Criteria: ACMG Guidelines, 2015. Collection method: clinical testing. Allele origin: inherited. Affected: yes.

Literature cited by the submitters: PubMed 12872123 (cited by Labcorp Genetics (formerly Invitae), Labcorp); PubMed 31706999 (cited by Labcorp Genetics (formerly Invitae), Labcorp).

NM_014425.5(INVS):c.1789C>T (p.Arg597Ter)

Gene: INVS (inversin; plus strand). Cytogenetic location: 9q31.1.
Variant type: single nucleotide variant.
Coding change: c.1789C>T on transcript NM_014425.5 (MANE Select); coding-DNA position 1789, C replaced by T.
Protein change: p.Arg597Ter; replaces arginine 597 with a stop codon.
Molecular consequence: nonsense. On other transcripts: non-coding transcript variant (1).
Genome position (GRCh38, 1-based): chr9:100,284,324, C>T. VCF-style: chr9-100284324-C-T. GRCh37 (hg19) VCF-style: chr9-103046606-C-T.
Other names: c.1501C>T, p.Arg501Ter (NM_001318381.2); c.811C>T, p.Arg271Ter (NM_001318382.2); short protein forms R271*, R501*, R597*.
Identifiers: ClinVar variation 690376 (VCV000690376.7), dbSNP rs755288504, ClinGen allele CA5158493.